The following is an entry in ClinVar:

NM_001365792.1(DAB1):c.307-10dup

Gene: DAB1 (DAB adaptor protein 1; minus strand). Cytogenetic location: 1p32.2.
Variant type: Duplication.
Coding change: c.307-10dup on transcript NM_001365792.1 (MANE Select); 10 bases into the intron before coding-DNA position 307, one base duplicated (T; older notation c.307-10dupT).
Molecular consequence: intron variant.
Genome position (GRCh38, 1-based): chr1:57,072,424, A duplicated on the plus strand (T on the coding strand, the reverse complement: DAB1 is on the minus strand); the first of 8 consecutive A bases (chr1:57,072,424-57,072,431); duplicating any one gives the same sequence. VCF-style (leftmost placement, unchanged base first): chr1-57072423-G-GA. GRCh37 (hg19) VCF-style: chr1-57538096-G-GA.
Other names: c.307-10dup (NM_001379461.1, NM_021080.5, NM_001379462.1 and 4 more transcripts).
Identifiers: ClinVar variation 3044537 (VCV003044537.3), dbSNP rs530942620, ClinGen allele CA876610.

ClinVar aggregate classification (germline): Likely benign. Review status: criteria provided, single submitter (1 of 4 stars). 2 submissions from 2 submitters: Likely benign (1). 1 of the submissions does not count toward it. Last evaluated 2024-11-05.

Conditions:
DAB1-related disorder. Also called: DAB1-related condition.

Submissions (2):

Blueprint Genetics
Classification: Likely benign. Last evaluated: 2024-11-05. Review status: criteria provided, single submitter. Criteria: ACMG Guidelines, 2015. Collection method: clinical testing. Allele origin: germline.

PreventionGenetics, part of Exact Sciences
Classification: Benign for DAB1-related condition. Last evaluated: 2020-08-12. Review status: no assertion criteria provided. Collection method: clinical testing. Allele origin: germline. Not counted in ClinVar's aggregate classification.
Comment: This variant is classified as benign based on ACMG/AMP sequence variant interpretation guidelines (Richards et al. 2015 PMID: 25741868, with internal and published modifications).